The following is an entry in ClinVar:

NM_001321075.3(DLG4):c.326del (p.Gly109fs)

Gene: DLG4 (discs large MAGUK scaffold protein 4; minus strand). Cytogenetic location: 17p13.1.
Variant type: Deletion.
Coding change: c.326del on transcript NM_001321075.3 (MANE Select); coding-DNA position 326, one base deleted (G; older notation c.326delG).
Protein change: p.Gly109fs; shifts the reading frame from glycine 109.
Molecular consequence: frameshift variant. On other transcripts: non-coding transcript variant (1).
Genome position (GRCh38, 1-based): chr17:7,203,701, C deleted on the plus strand (G on the coding strand, the reverse complement: DLG4 is on the minus strand); the first of 2 consecutive C bases (chr17:7,203,701-7,203,702); deleting either gives the same sequence. VCF-style (leftmost placement, unchanged base first): chr17-7203700-GC-G. GRCh37 (hg19) VCF-style: chr17-7107019-GC-G.
Other names: c.317del, p.Gly106fs (NM_001128827.4); c.446del, p.Gly149fs (NM_001321074.1); c.146del, p.Gly49fs (NM_001321076.3, NM_001321077.3); c.454delG, p.Gly152Alafs (NM_001365.5); c.245del, p.Gly82fs (NM_001369566.3); short protein forms G149fs, G106fs, G152fs, G109fs, G49fs, G82fs.
Identifiers: ClinVar variation 817274 (VCV000817274.3), dbSNP rs1597472411, ClinGen allele CA915949496.

ClinVar aggregate classification (germline): Pathogenic. Review status: criteria provided, multiple submitters, no conflicts (2 of 4 stars). 3 submissions from 3 submitters: Pathogenic (3). Last evaluated 2023-02-28.

Conditions:
Intellectual developmental disorder 62. Also called: INTELLECTUAL DEVELOPMENTAL DISORDER, AUTOSOMAL DOMINANT 62; MENTAL RETARDATION, AUTOSOMAL DOMINANT 62. Identifiers: MedGen C5394083, MONDO:0032919, OMIM 618793.

Submissions (3):

Tumer Group, Copenhagen University Hospital, Rigshospitalet
Classification: Pathogenic for Intellectual developmental disorder 62. Last evaluated: 2023-02-28. Review status: criteria provided, single submitter. Criteria: ACMG Guidelines, 2015. Collection method: research. Allele origin: de novo. Affected: yes.

Institute of Human Genetics, University of Leipzig Medical Center
Classification: Pathogenic for Intellectual developmental disorder 62. Last evaluated: 2021-12-21. Review status: criteria provided, single submitter. Criteria: ACMG Guidelines, 2015. Collection method: research. Allele origin: de novo. Affected: yes.

GeneDx
Classification: Pathogenic. Last evaluated: 2018-10-01. Review status: criteria provided, single submitter. Criteria: GeneDx Variant Classification (06012015). Collection method: clinical testing. Allele origin: germline. Affected: yes.
Comment: The c.455delG variant in the DLG4 gene has not been reported previously as a pathogenic variant nor as a benign variant, to our knowledge. This variant causes a frameshift starting with codon Glycine 152, changes this amino acid to an Alanine residue, and creates a premature Stop codon at position 12 of the new reading frame, denoted p.Gly152AlafsX12. The c.455delG variant is predicted to cause loss of normal protein function either through protein truncation or nonsense-mediated mRNA decay. This variant is not observed in large population cohorts (Lek et al., 2016). We interpret c.455delG as a pathogenic variant.

Literature cited by the submitters: PubMed 33597769 (cited by Institute of Human Genetics, University of Leipzig Medical Center).